The following is an entry in ClinVar:

NM_012334.3(MYO10):c.88G>A (p.Gly30Ser)

Gene: MYO10 (myosin X; minus strand). Cytogenetic location: 5p15.1.
Variant type: single nucleotide variant.
Coding change: c.88G>A on transcript NM_012334.3 (MANE Select); coding-DNA position 88, G replaced by A.
Protein change: p.Gly30Ser; replaces glycine 30 with serine.
Molecular consequence: missense variant.
Genome position (GRCh38, 1-based): chr5:16,877,641, C>T on the plus strand (G>A on the coding strand, the complement: MYO10 is on the minus strand). VCF-style: chr5-16877641-C-T. GRCh37 (hg19) VCF-style: chr5-16877750-C-T.
Other names: short protein forms G30S.
Identifiers: ClinVar variation 2672115 (VCV002672115.1), dbSNP rs2477700760, ClinGen allele CA359263470.

ClinVar aggregate classification (germline): Uncertain significance (1 of 4 stars; one submission).

Submission:

Clinical Genomics Laboratory, Washington University in St. Louis
Classification: Uncertain significance. Last evaluated: 2023-07-17. Review status: criteria provided, single submitter. Criteria: ACMG Guidelines, 2015. Collection method: clinical testing. Allele origin: germline.
Comment: The MYO10 c.88G>A (p.Gly30Ser) variant, to our knowledge, has not been reported in the medical literature and is absent from the general population (gnomAD v.2.1.1), indicating it is not a common variant. Computational predictors are uncertain as to the impact of this variant on MYO10 function. Due to limited information, the clinical significance of this variant is uncertain.